The following is an entry in ClinVar:

NM_000059.4(BRCA2):c.8428A>G (p.Ser2810Gly)

Gene: BRCA2 (BRCA2 DNA repair associated; plus strand). Cytogenetic location: 13q13.1.
Variant type: single nucleotide variant.
Coding change: c.8428A>G on transcript NM_000059.4 (MANE Select); coding-DNA position 8428, A replaced by G.
Protein change: p.Ser2810Gly; replaces serine 2810 with glycine.
Molecular consequence: missense variant.
Genome position (GRCh38, 1-based): chr13:32,370,498, A>G. VCF-style: chr13-32370498-A-G. GRCh37 (hg19) VCF-style: chr13-32944635-A-G.
Other names: short protein forms S2810G.
Identifiers: ClinVar variation 52584 (VCV000052584.28), dbSNP rs80359089, ClinGen allele CA025641.

ClinVar aggregate classification (germline): Conflicting classifications of pathogenicity. Review status: criteria provided, conflicting classifications (1 of 4 stars). 10 submissions from 10 submitters: Uncertain significance (3); Likely benign (5). 2 of the submissions do not count toward it. Last evaluated 2026-06-03.

Conditions:
Malignant tumor of breast. Also called: Malignant breast neoplasm; Cancer breast. Identifiers: MedGen C0006142, MONDO:0007254. Disease mechanism: loss of function.
Hereditary cancer-predisposing syndrome. Also called: Neoplastic Syndromes, Hereditary; Tumor predisposition; Hereditary neoplastic syndrome; Hereditary Cancer Syndrome. Identifiers: Orphanet 140162, MedGen C0027672, MeSH D009386, MONDO:0015356.
Breast and/or ovarian cancer. Identifiers: MedGen CN221562.
Hereditary breast ovarian cancer syndrome. Also called: Hereditary breast and ovarian cancer syndrome (HBOC); Hereditary breast and ovarian cancer syndrome; Breast and ovarian cancer; Hereditary breast and ovarian cancer; Hereditary breast and/or ovarian cancer syndrome; BRCA1- and BRCA2-Associated Hereditary Breast and Ovarian Cancer. Identifiers: Orphanet 145, MedGen C0677776, MeSH D061325, MONDO:0003582. Disease mechanism: loss of function.
Breast-ovarian cancer, familial, susceptibility to, 2 (BROVCA2). Also called: BRCA2 Hereditary Breast and Ovarian Cancer. Identifiers: Orphanet 145, MedGen C2675520, MONDO:0012933, OMIM 612555. Disease mechanism: loss of function.

Allele frequency attached by ClinVar (database versions not stated): gnomAD exomes below 0.00001 and 0.00001; TOPMed 0.00001; ExAC 0.00001; gnomAD 0.00001.
gnomAD v4.1: 10 of 1,613,856 alleles (0.00062%); highest among the groups gnomAD compares: African/African-American, 0.0013%; no homozygotes.

Submissions (10):

Women's Health and Genetics/Laboratory Corporation of America, LabCorp
Classification: Likely benign. Last evaluated: 2026-06-03. Review status: criteria provided, single submitter. Criteria: LabCorp Variant Classification Summary - May 2015. Collection method: clinical testing. Allele origin: germline.
Comment: Variant summary: BRCA2 c.8428A>G (p.Ser2810Gly) results in a non-conservative amino acid change in the encoded protein sequence. Algorithms developed to predict the effect of missense changes on protein structure and function are either unavailable or do not agree on the potential impact of this missense change. The variant allele was found at a frequency of 4e-06 in 251384 control chromosomes. The available data on variant occurrences in the general population are insufficient to allow any conclusion about variant significance. To our knowledge, no occurrence of c.8428A>G in individuals affected with BRCA2-related conditions has been reported. At least one publication reports experimental evidence evaluating an impact on protein function in vitro and found this variant to have a neutral impact in an HDR assay (example, Hart_2019, Richardson_2021). The HDR assay qualifies as a standardized gold-standard assay on the basis of the updated guidance provided by the ClinGen Sequence Variant Interpretation (SVI) Working Group (Brnich_2019). ClinGen SVI now recognizes benign functional evidence as sufficient for likely benign (Tavtigian_2018). The following publications have been ascertained in the context of this evaluation (PMID: 29884841, 33609447). ClinVar contains an entry for this variant (Variation ID: 52584). Based on the evidence outlined above, the variant was classified as likely benign.

Labcorp Genetics (formerly Invitae), Labcorp
Classification: Likely benign for Hereditary breast ovarian cancer syndrome. Last evaluated: 2026-01-07. Review status: criteria provided, single submitter. Criteria: Invitae Variant Classification Sherloc (09022015). Collection method: clinical testing. Allele origin: germline.

Quest Diagnostics Nichols Institute San Juan Capistrano
Classification: Uncertain significance. Last evaluated: 2025-09-17. Review status: criteria provided, single submitter. Criteria: Quest Diagnostics criteria. Collection method: clinical testing. Allele origin: unknown.
Comment: The BRCA2 c.8428A>G (p.Ser2810Gly) variant has been reported in the published literature as a neutral variant using a protein likelihood ratio analysis (PMID: 19043619 (2008)). Functional studies indicated this variant has no effect on protein function (PMIDs: 33609447 (2021), 29884841 (2019)). The frequency of this variant in the general population (Genome Aggregation Database) is uninformative in the assessment of its pathogenicity. Analysis of this variant using bioinformatics tools for the prediction of the effect of amino acid changes on protein structure and function yielded predictions that this variant is benign. Based on the available information, we are unable to determine the clinical significance of this variant.

All of Us Research Program, National Institutes of Health
Classification: Likely benign for Breast-ovarian cancer, familial, susceptibility to, 2. Last evaluated: 2023-11-20. Review status: criteria provided, single submitter. Criteria: ACMG Guidelines, 2015. Collection method: clinical testing. Allele origin: germline. Inheritance: Autosomal dominant inheritance. Observed: 5 variant alleles, 5 heterozygotes.
Comment: This study involves interpretation of variants in research participants for the purpose of population health screening. Participant phenotype was not available at the time of variant classification. Additional details can be found in publication PMID: 35346344, PMCID: PMC8962531

Ambry Genetics
Classification: Likely benign for Hereditary cancer-predisposing syndrome. Last evaluated: 2019-12-06. Review status: criteria provided, single submitter. Criteria: Ambry Variant Classification Scheme 2023. Collection method: clinical testing. Allele origin: germline.

CHEO Genetics Diagnostic Laboratory, Children's Hospital of Eastern Ontario
Classification: Uncertain significance for Breast and/or ovarian cancer. Last evaluated: 2019-04-16. Review status: criteria provided, single submitter. Criteria: ACMG Guidelines, 2015. Collection method: clinical testing. Allele origin: germline.

GeneDx
Classification: Uncertain significance. Last evaluated: 2018-03-22. Review status: criteria provided, single submitter. Criteria: GeneDx Variant Classification (06012015). Collection method: clinical testing. Allele origin: germline. Affected: yes.
Comment: This variant is denoted BRCA2 c.8428A>G at the cDNA level, p.Ser2810Gly (S2810G) at the protein level, and results in the change of a Serine to a Glycine (AGT>GGT). Using alternate nomenclature, this variant would be defined as BRCA2 8656A>G. This variant has not, to our knowledge, been published in the literature as a germline variant; however it has been reported as a somatic variant in a lung tumor (Hovelson 2015). BRCA2 Ser2810Gly was not observed in large population cohorts (Lek 2016). BRCA2 Ser2810Gly is located in the DNA binding domain (Yang 2002). In-silico analysis, which includes protein predictors and evolutionary conservation, supports that this variant does not alter protein structure/function. Based on currently available information, it is unclear whether BRCA2 Ser2810Gly is pathogenic or benign. We consider it to be a variant of uncertain significance.

Color Diagnostics, LLC DBA Color Health
Classification: Likely benign for Hereditary cancer-predisposing syndrome. Last evaluated: 2017-02-13. Review status: criteria provided, single submitter. Criteria: ACMG Guidelines, 2015. Collection method: clinical testing. Allele origin: germline.

Breast Cancer Information Core (BIC) (BRCA2)
Classification: Uncertain significance for Breast-ovarian cancer, familial 2. Last evaluated: 2004-02-20. Review status: no assertion criteria provided. Collection method: clinical testing. Allele origin: germline. Affected: yes. Observed: 2 variant alleles. Not counted in ClinVar's aggregate classification.

Department of Pathology and Laboratory Medicine, Sinai Health System
Classification: Uncertain significance for Malignant tumor of breast. Review status: no assertion criteria provided. Collection method: clinical testing. Allele origin: unknown. Affected: yes. Study: The Canadian Open Genetics Repository (COGR). Not counted in ClinVar's aggregate classification.
Comment: The BRCA2, p.Ser2810Gly variant was identified in the literature (Karchin 2008) and dbSNP database â€šÃ„ÃºWith Uncertain significance allele.â€šÃ„Ã¹ This variant also was identified in the Exome Aggregation Consortium (ExAC) database (released Oct 20th, 2014) in 1 individual of European (Non-Finnish) descent. The variant was not found in populations of South Asians, European (Non-Finnish), East Asian, African, Latino, and other individuals. The variant was also identified in Clinvar database and classified as a variant of uncertain significance by BIC and Ambry Genetics; no classification was provided by Invitae. The p.Ser2810Gly variant was identified in BRCA Share UMD Database 1X and classified as unknown. In UMD the variant was identified with a co-occurring pathogenic BRCA1 variant (BRCA1: c.3481_3491del, p.Glu1161PhefsX3), increasing the likelihood that the p.Ser2810Gly variant does not have clinical significance. The variant was identified 1X in BIC database with unknown clinical importance and 1X in LOVD as neutral. The p.Ser2810 residue is conserved in mammals and computational analyses (PolyPhen-2, SIFT, AlignGVGD, BLOSUM, MutationTaster) provide inconsistent predictions regarding the impact to the protein; this information is not very predictive of pathogenicity. The variant occurs outside of the splicing consensus sequence and 5 of 5 in silico or computational prediction software programs (SpliceSiteFinder, MaxEntScan, NNSPLICE, GeneSplicer, HumanSpliceFinder) predict a greater than 10% chance that the variant creates the loss of a cryptic 3â€šÃ„Ã´ acceptor splice site. However, this information is not predictive enough to assume pathogenicity. In addition, likelihood ratio analysis predicted the variant does not impair protein function and was determined neutral (Karchin 2008). In summary, based on the above information, the clinical significance of this variant cannot be determined with certainty at this time. This variant is classified as a variant of uncertain significance.

Literature cited by the submitters: PubMed 29884841 (cited by 3 submitters); PubMed 33609447 (cited by Women's Health and Genetics/Laboratory Corporation of America, LabCorp and Quest Diagnostics Nichols Institute San Juan Capistrano); PubMed 19043619 (cited by Quest Diagnostics Nichols Institute San Juan Capistrano).